The following is an entry in ClinVar:

ClinVar aggregate classification (germline): Uncertain significance (1 of 4 stars; one submission).

Conditions:
CRB1-related disorder. Also called: CRB1-related disorders; CRB1-related condition.

gnomAD v4.1: 1 of 1,614,228 alleles (0.000062%); highest among the groups gnomAD compares: Non-Finnish European, 0.000085%; no homozygotes.

Submission:

PreventionGenetics, part of Exact Sciences
Classification: Uncertain significance for CRB1-related condition. Last evaluated: 2026-03-18. Review status: criteria provided, single submitter. Criteria: ACMG Guidelines, 2015. Collection method: clinical testing. Allele origin: germline.
Comment: The CRB1 c.1080G>T variant is predicted to result in the amino acid substitution p.Glu360Asp. To our knowledge, this variant has not been reported in the literature. This variant is present in 0.00088% of alleles in individuals of European (Non-Finnish) descent in gnomAD. At this time, the clinical significance of this variant is uncertain due to the absence of conclusive functional and genetic evidence.

NM_201253.3(CRB1):c.1080G>T (p.Glu360Asp)

Gene: CRB1 (crumbs cell polarity complex component 1; plus strand). Cytogenetic location: 1q31.3.
Variant type: single nucleotide variant.
Coding change: c.1080G>T on transcript NM_201253.3 (MANE Select); coding-DNA position 1080, G replaced by T.
Protein change: p.Glu360Asp; replaces glutamic acid 360 with aspartic acid.
Molecular consequence: missense variant. On other transcripts: non-coding transcript variant (2).
Genome position (GRCh38, 1-based): chr1:197,356,922, G>T. VCF-style: chr1-197356922-G-T. GRCh37 (hg19) VCF-style: chr1-197326052-G-T.
Other names: c.744G>T, p.Glu248Asp (NM_001193640.2); c.873G>T, p.Glu291Asp (NM_001257965.2); c.1080G>T, p.Glu360Asp (NM_001257966.2); short protein forms E291D, E360D, E248D.
Identifiers: ClinVar variation 4986286 (VCV004986286.1).